The following is an entry in ClinVar:

ClinVar aggregate classification (germline): Benign/Likely benign. Review status: criteria provided, multiple submitters, no conflicts (2 of 4 stars). 6 submissions from 6 submitters: Benign (2); Likely benign (4). Last evaluated 2026-07-01.

Conditions:
Xeroderma pigmentosum, group E (XPE). Also called: Xeroderma pigmentosum, complementation group E; DDB2-Related Xeroderma Pigmentosum; Xeroderma pigmentosum, group E, DDB-negative subtype; Xeroderma pigmentosum, complementation group E, DDB-negative form; XERODERMA PIGMENTOSUM V; XP, GROUP E. Identifiers: Orphanet 910, MedGen C1848411, MONDO:0010213, OMIM 278740.

Allele frequency attached by ClinVar (database versions not stated): gnomAD exomes 0.00218 and 0.00289; ESP Exome Variant Server 0.00238; ExAC 0.00251; gnomAD 0.00258 and 0.00268; 1000 Genomes Project 0.00260; 1000 Genomes Project 30x 0.00265; TOPMed 0.00357.
gnomAD v4.1: 3,660 of 1,614,160 alleles (0.23%); highest among the groups gnomAD compares: Admixed American, 0.86%; 17 homozygotes.

Submissions (6):

CeGaT Center for Human Genetics Tuebingen
Classification: Likely benign. Last evaluated: 2026-07-01. Review status: criteria provided, single submitter. Criteria: CeGaT Center For Human Genetics Tuebingen Variant Classification Criteria Version 2. Collection method: clinical testing. Allele origin: germline. Affected: yes. Observed: 30 variant alleles.
Comment: DDB2: BP4, BP7

Labcorp Genetics (formerly Invitae), Labcorp
Classification: Benign. Last evaluated: 2026-02-02. Review status: criteria provided, single submitter. Criteria: Invitae Variant Classification Sherloc (09022015). Collection method: clinical testing. Allele origin: germline.

Institute for Clinical Genetics, University Hospital TU Dresden, University Hospital TU Dresden
Classification: Likely benign. Last evaluated: 2021-11-03. Review status: criteria provided, single submitter. Criteria: ACMG Guidelines, 2015. Collection method: clinical testing. Allele origin: germline.

GeneDx
Classification: Benign. Last evaluated: 2020-12-28. Review status: criteria provided, single submitter. Criteria: GeneDx Variant Classification Process June 2021. Collection method: clinical testing. Allele origin: germline. Affected: yes.

Illumina Laboratory Services, Illumina
Classification: Likely benign for Xeroderma pigmentosum, group E. Last evaluated: 2018-01-13. Review status: criteria provided, single submitter. Criteria: ICSL Variant Classification Criteria 13 December 2019. Collection method: clinical testing. Allele origin: germline.
Comment: This variant was observed in the ICSL laboratory as part of a predisposition screen in an ostensibly healthy population. It had not been previously curated by ICSL or reported in the Human Gene Mutation Database (HGMD: prior to June 1st, 2018), and was therefore a candidate for classification through an automated scoring system. Utilizing variant allele frequency, disease prevalence and penetrance estimates, and inheritance mode, an automated score was calculated to assess if this variant is too frequent to cause the disease. Based on the score and internal cut-off values, a variant classified as likely benign is not then subjected to further curation. The score for this variant resulted in a classification of likely benign for this disease.

Breakthrough Genomics
Classification: Likely benign. Review status: criteria provided, single submitter. Criteria: ACMG Guidelines, 2015. Collection method: not provided. Allele origin: germline. Inheritance: Autosomal recessive inheritance. Affected: yes.

NM_000107.3(DDB2):c.738G>A (p.Thr246=)

Gene: DDB2 (damage specific DNA binding protein 2; plus strand). Cytogenetic location: 11p11.2.
Variant type: single nucleotide variant.
Coding change: c.738G>A on transcript NM_000107.3 (MANE Select); coding-DNA position 738, G replaced by A.
Protein change: p.Thr246=; no amino-acid change (threonine 246 retained).
Molecular consequence: synonymous variant. On other transcripts: intron variant (1).
Genome position (GRCh38, 1-based): chr11:47,234,792, G>A. VCF-style: chr11-47234792-G-A. GRCh37 (hg19) VCF-style: chr11-47256343-G-A.
Other names: c.457-3045G>A (NM_001300734.2).
Identifiers: ClinVar variation 304919 (VCV000304919.47), dbSNP rs144266685, ClinGen allele CA5972616.